The following is an entry in ClinVar:

NM_015072.5(TTLL5):c.275G>A (p.Ser92Asn)

Gene: TTLL5 (tubulin tyrosine ligase like 5; plus strand). Cytogenetic location: 14q24.3.
Variant type: single nucleotide variant.
Coding change: c.275G>A on transcript NM_015072.5 (MANE Select); coding-DNA position 275, G replaced by A.
Protein change: p.Ser92Asn; replaces serine 92 with asparagine.
Molecular consequence: missense variant.
Genome position (GRCh38, 1-based): chr14:75,683,560, G>A. VCF-style: chr14-75683560-G-A. GRCh37 (hg19) VCF-style: chr14-76149903-G-A.
Other names: short protein forms S92N.
Identifiers: ClinVar variation 1506724 (VCV001506724.4), dbSNP rs747929606, ClinGen allele CA7278877.

ClinVar aggregate classification (germline): Uncertain significance (1 of 4 stars; one submission).

Allele frequency attached by ClinVar (database versions not stated): gnomAD exomes below 0.00001 and 0.00001; ExAC 0.00001.
gnomAD v4.1: 10 of 1,613,832 alleles (0.00062%); highest among the groups gnomAD compares: Admixed American, 0.0017%; no homozygotes.

Submission:

Labcorp Genetics (formerly Invitae), Labcorp
Classification: Uncertain significance. Last evaluated: 2023-07-07. Review status: criteria provided, single submitter. Criteria: Invitae Variant Classification Sherloc (09022015). Collection method: clinical testing. Allele origin: germline.
Comment: In summary, the available evidence is currently insufficient to determine the role of this variant in disease. Therefore, it has been classified as a Variant of Uncertain Significance. Advanced modeling of protein sequence and biophysical properties (such as structural, functional, and spatial information, amino acid conservation, physicochemical variation, residue mobility, and thermodynamic stability) performed at Invitae indicates that this missense variant is not expected to disrupt TTLL5 protein function. ClinVar contains an entry for this variant (Variation ID: 1506724). This variant has not been reported in the literature in individuals affected with TTLL5-related conditions. This variant is not present in population databases (gnomAD no frequency). This sequence change replaces serine, which is neutral and polar, with asparagine, which is neutral and polar, at codon 92 of the TTLL5 protein (p.Ser92Asn).